The following is an entry in ClinVar:

NM_000215.4(JAK3):c.1888C>T (p.Gln630Ter)

Gene: JAK3 (Janus kinase 3; minus strand). Cytogenetic location: 19p13.11.
Variant type: single nucleotide variant.
Coding change: c.1888C>T on transcript NM_000215.4 (MANE Select); coding-DNA position 1888, C replaced by T.
Protein change: p.Gln630Ter; replaces glutamine 630 with a stop codon.
Molecular consequence: nonsense.
Genome position (GRCh38, 1-based): chr19:17,835,950, G>A on the plus strand (C>T on the coding strand, the complement: JAK3 is on the minus strand). VCF-style: chr19-17835950-G-A. GRCh37 (hg19) VCF-style: chr19-17946759-G-A.
Other names: short protein forms Q630*.
Identifiers: ClinVar variation 2865802 (VCV002865802.3), dbSNP rs2514556610, ClinGen allele CA404768835.
Genomic context (GRCh38, chr19:17,835,950, plus strand): 5'-GAATGGAGGGTGGAGCAGGCAGAGGAGCACTCACCAGATAGTTGAGGGCGTAGGCCAGCT[G>A]TTTGACCACCTGCAGCTTCCAGCTGGCTGGCACCAGGTGGCCACGTTTTCGCAGATACAT-3'

ClinVar aggregate classification (germline): Pathogenic (1 of 4 stars; one submission).

Conditions:
T-B+ severe combined immunodeficiency due to JAK3 deficiency. Also called: SCID, T CELL-NEGATIVE, B CELL-POSITIVE, NK CELL-NEGATIVE; SCID, autosomal recessive, T-negative/B-positive type. Identifiers: Orphanet 35078, MedGen C1833275, MONDO:0010938, OMIM 600802.

Allele frequency attached by ClinVar (database versions not stated): gnomAD exomes below 0.00001.
gnomAD v4.1: 1 of 1,614,104 alleles (0.000062%); highest among the groups gnomAD compares: Non-Finnish European, 0.000085%; no homozygotes.

Submission:

Labcorp Genetics (formerly Invitae), Labcorp
Classification: Pathogenic for T-B+ severe combined immunodeficiency due to JAK3 deficiency. Last evaluated: 2023-05-19. Review status: criteria provided, single submitter. Criteria: Invitae Variant Classification Sherloc (09022015). Collection method: clinical testing. Allele origin: germline.
Comment: For these reasons, this variant has been classified as Pathogenic. This variant has not been reported in the literature in individuals affected with JAK3-related conditions. This variant is not present in population databases (gnomAD no frequency). This sequence change creates a premature translational stop signal (p.Gln630*) in the JAK3 gene. It is expected to result in an absent or disrupted protein product. Loss-of-function variants in JAK3 are known to be pathogenic (PMID: 7481768, 11668621).

Literature cited by the submitters: PubMed 7481768; PubMed 11668621.